The following is an entry in ClinVar:

NM_003235.5(TG):c.4444C>T (p.Gln1482Ter)

Gene: TG (thyroglobulin; plus strand). Cytogenetic location: 8q24.22.
Variant type: single nucleotide variant.
Coding change: c.4444C>T on transcript NM_003235.5 (MANE Select); coding-DNA position 4444, C replaced by T.
Protein change: p.Gln1482Ter; replaces glutamine 1482 with a stop codon.
Molecular consequence: nonsense.
Genome position (GRCh38, 1-based): chr8:132,919,441, C>T. VCF-style: chr8-132919441-C-T. GRCh37 (hg19) VCF-style: chr8-133931686-C-T.
Other names: short protein forms Q1482*.
Identifiers: ClinVar variation 2742107 (VCV002742107.3), dbSNP rs1820823886, ClinGen allele CA372247504.

ClinVar aggregate classification (germline): Pathogenic (1 of 4 stars; one submission).

Allele frequency attached by ClinVar (database versions not stated): gnomAD exomes below 0.00001.
gnomAD v4.1: 1 of 1,614,092 alleles (0.000062%); highest among the groups gnomAD compares: Non-Finnish European, 0.000085%; no homozygotes.

Submission:

Labcorp Genetics (formerly Invitae), Labcorp
Classification: Pathogenic. Last evaluated: 2023-01-07. Review status: criteria provided, single submitter. Criteria: Invitae Variant Classification Sherloc (09022015). Collection method: clinical testing. Allele origin: germline.
Comment: This variant is not present in population databases (gnomAD no frequency). This sequence change creates a premature translational stop signal (p.Gln1482*) in the TG gene. It is expected to result in an absent or disrupted protein product. Loss-of-function variants in TG are known to be pathogenic (PMID: 19837936, 23164529). For these reasons, this variant has been classified as Pathogenic. This variant has not been reported in the literature in individuals affected with TG-related conditions.

Literature cited by the submitters: PubMed 19837936; PubMed 23164529.